The following is an entry in ClinVar:

NM_001377265.1(MAPT):c.2492A>G (p.Gln831Arg)

Gene: MAPT (microtubule associated protein tau). Cytogenetic location: 17q21.31.
Variant type: single nucleotide variant.
Coding change: c.2492A>G on transcript NM_001377265.1 (MANE Select); coding-DNA position 2492, A replaced by G.
Protein change: p.Gln831Arg; replaces glutamine 831 with arginine.
Molecular consequence: missense variant. On other transcripts: non-coding transcript variant (1), intron variant (1).
Genome position (GRCh38, 1-based): chr17:46,024,161, A>G. VCF-style: chr17-46024161-A-G. GRCh37 (hg19) VCF-style: chr17-44101527-A-G.
Other names: c.2321A>G, p.Gln774Arg (NM_001123066.4); c.1229A>G, p.Gln410Arg (NM_001123067.4); c.1136A>G, p.Gln379Arg (NM_001203251.2); c.1223A>G, p.Gln408Arg (NM_001203252.2); c.2201A>G, p.Gln734Arg (NM_001377266.1); c.1049A>G, p.Gln350Arg (NM_001377268.1, NM_016841.5); c.1316A>G, p.Gln439Arg (NM_005910.6); c.1142A>G, p.Gln381Arg (NM_016834.5); and 2 more; short protein forms Q350R, Q379R, Q381R, Q408R, Q410R, Q439R, Q734R, Q756R.
Identifiers: ClinVar variation 1708655 (VCV001708655.2), dbSNP rs2510279473, ClinGen allele CA399984689.

ClinVar aggregate classification (germline): Uncertain significance (1 of 4 stars; one submission).

Submission:

GeneDx
Classification: Uncertain significance. Last evaluated: 2022-04-07. Review status: criteria provided, single submitter. Criteria: GeneDx Variant Classification Process June 2021. Collection method: clinical testing. Allele origin: germline. Affected: yes.
Comment: Not observed at significant frequency in large population cohorts (gnomAD); In silico analysis supports that this missense variant has a deleterious effect on protein structure/function; Has not been previously published as pathogenic or benign to our knowledge